The following is an entry in ClinVar:

NM_006904.7(PRKDC):c.3364+5G>A

Gene: PRKDC (protein kinase, DNA-activated, catalytic subunit; minus strand). Cytogenetic location: 8q11.21.
Variant type: single nucleotide variant.
Coding change: c.3364+5G>A on transcript NM_006904.7 (MANE Select); 5 bases into the intron after coding-DNA position 3364, G replaced by A.
Molecular consequence: intron variant.
Genome position (GRCh38, 1-based): chr8:47,900,368, C>T on the plus strand (G>A on the coding strand, the complement: PRKDC is on the minus strand). VCF-style: chr8-47900368-C-T. GRCh37 (hg19) VCF-style: chr8-48812928-C-T.
Other names: c.3364+5G>A (NM_001081640.2).
Identifiers: ClinVar variation 1056067 (VCV001056067.4), dbSNP rs771582404, ClinGen allele CA581664204.

ClinVar aggregate classification (germline): Uncertain significance (1 of 4 stars; one submission).

Conditions:
Severe combined immunodeficiency due to DNA-PKcs deficiency. Also called: IMMUNODEFICIENCY 26 WITH NEUROLOGIC ABNORMALITIES; Immunodeficiency 26 with or without neurologic abnormalities. Identifiers: Orphanet 317425, MedGen C4014833, MONDO:0014423, OMIM 615966.

Allele frequency attached by ClinVar (database versions not stated): TOPMed below 0.00001; gnomAD 0.00001.
gnomAD v4.1: 15 of 1,598,336 alleles (0.00094%); highest among the groups gnomAD compares: Admixed American, 0.0017%; no homozygotes.

Submission:

Labcorp Genetics (formerly Invitae), Labcorp
Classification: Uncertain significance for Severe combined immunodeficiency due to DNA-PKcs deficiency. Last evaluated: 2022-04-23. Review status: criteria provided, single submitter. Criteria: Invitae Variant Classification Sherloc (09022015). Collection method: clinical testing. Allele origin: germline.
Comment: This sequence change falls in intron 28 of the PRKDC gene. It does not directly change the encoded amino acid sequence of the PRKDC protein. It affects a nucleotide within the consensus splice site. The frequency data for this variant in the population databases is considered unreliable, as metrics indicate poor data quality at this position in the gnomAD database. This variant has not been reported in the literature in individuals affected with PRKDC-related conditions. ClinVar contains an entry for this variant (Variation ID: 1056067). Variants that disrupt the consensus splice site are a relatively common cause of aberrant splicing (PMID: 17576681, 9536098). Experimental studies and prediction algorithms are not available or were not evaluated, and the effect of this variant on mRNA splicing is currently unknown. In summary, the available evidence is currently insufficient to determine the role of this variant in disease. Therefore, it has been classified as a Variant of Uncertain Significance.

Literature cited by the submitters: PubMed 17576681; PubMed 9536098.